The following is an entry in ClinVar:

ClinVar aggregate classification (germline): Uncertain significance (1 of 4 stars; one submission).

Conditions:
Ataxia-telangiectasia syndrome (AT). Also called: LOUIS-BAR SYNDROME; Ataxia-telangiectasia; Cerebello-oculocutaneous telangiectasia; Immunodeficiency with ataxia telangiectasia; ATAXIA-TELANGIECTASIA, COMPLEMENTATION GROUP A; ATAXIA-TELANGIECTASIA, FRESNO VARIANT. Identifiers: Orphanet 100, MedGen C0004135, MONDO:0008840, OMIM 208900.

Submission:

Labcorp Genetics (formerly Invitae), Labcorp
Classification: Uncertain significance for Ataxia-telangiectasia syndrome. Last evaluated: 2021-08-30. Review status: criteria provided, single submitter. Criteria: Invitae Variant Classification Sherloc (09022015). Collection method: clinical testing. Allele origin: germline.
Comment: In summary, the available evidence is currently insufficient to determine the role of this variant in disease. Therefore, it has been classified as a Variant of Uncertain Significance. This variant is not present in population databases (ExAC no frequency). This variant, c.4903_4905del, results in the deletion of 1 amino acid(s) of the ATM protein (p.Ser1635del), but otherwise preserves the integrity of the reading frame. This variant has not been reported in the literature in individuals affected with ATM-related conditions. Experimental studies and prediction algorithms are not available or were not evaluated, and the functional significance of this variant is currently unknown.

NM_000051.4(ATM):c.4903_4905del (p.Ser1635del)

Gene: ATM (ATM serine/threonine kinase; plus strand). Cytogenetic location: 11q22.3.
Variant type: Deletion.
Coding change: c.4903_4905del on transcript NM_000051.4 (MANE Select); coding-DNA positions 4903 to 4905, 3 bases deleted (TCT; older notation c.4903_4905delTCT).
Protein change: p.Ser1635del; deletes serine 1635.
Molecular consequence: inframe deletion.
Genome position (GRCh38, 1-based): chr11:108,295,053-108,295,055, TCT deleted; deleting any 3 consecutive bases within chr11:108,295,051-108,295,055 gives the same sequence; the c. name uses the placement nearest the transcript's 3' end. VCF-style (leftmost placement, unchanged base first): chr11-108295050-GCTT-G. GRCh37 (hg19) VCF-style: chr11-108165777-GCTT-G.
Other names: c.4903_4905del, p.Ser1635del (NM_001351834.2); short protein forms S1635del.
Identifiers: ClinVar variation 1487808 (VCV001487808.8), dbSNP rs2135838090, ClinGen allele CA2573146739.